The following is an entry in ClinVar:

NM_000059.4(BRCA2):c.2870A>G (p.Asn957Ser)

Gene: BRCA2 (BRCA2 DNA repair associated; plus strand). Cytogenetic location: 13q13.1.
Variant type: single nucleotide variant.
Coding change: c.2870A>G on transcript NM_000059.4 (MANE Select); coding-DNA position 2870, A replaced by G.
Protein change: p.Asn957Ser; replaces asparagine 957 with serine.
Molecular consequence: missense variant.
Genome position (GRCh38, 1-based): chr13:32,337,225, A>G. VCF-style: chr13-32337225-A-G. GRCh37 (hg19) VCF-style: chr13-32911362-A-G.
Other names: short protein forms N957S.
Identifiers: ClinVar variation 480896 (VCV000480896.21), dbSNP rs1555282918, ClinGen allele CA387774021.

ClinVar aggregate classification (germline): Conflicting classifications of pathogenicity. Review status: criteria provided, conflicting classifications (1 of 4 stars). 5 submissions from 5 submitters: Uncertain significance (4); Likely benign (1). Last evaluated 2025-06-11.

Conditions:
Hereditary cancer-predisposing syndrome. Also called: Hereditary Cancer Syndrome; Neoplastic Syndromes, Hereditary; Tumor predisposition; Hereditary neoplastic syndrome. Identifiers: Orphanet 140162, MedGen C0027672, MeSH D009386, MONDO:0015356.
Hereditary breast ovarian cancer syndrome. Also called: Hereditary breast and ovarian cancer syndrome; Hereditary breast and ovarian cancer; Hereditary breast and ovarian cancer syndrome (HBOC); Breast and ovarian cancer; Hereditary breast and/or ovarian cancer syndrome; BRCA1- and BRCA2-Associated Hereditary Breast and Ovarian Cancer. Identifiers: Orphanet 145, MedGen C0677776, MeSH D061325, MONDO:0003582. Disease mechanism: loss of function.

Submissions (5):

GeneDx
Classification: Uncertain significance. Last evaluated: 2025-06-11. Review status: criteria provided, single submitter. Criteria: GeneDx Variant Classification Process June 2021. Collection method: clinical testing. Allele origin: germline. Affected: yes.
Comment: Not observed at significant frequency in large population cohorts (gnomAD); In silico analysis supports that this missense variant has a deleterious effect on protein structure/function; Has not been previously published as pathogenic or benign to our knowledge; Also known as 3098A>G

Color Diagnostics, LLC DBA Color Health
Classification: Uncertain significance for Hereditary cancer-predisposing syndrome. Last evaluated: 2024-04-29. Review status: criteria provided, single submitter. Criteria: ACMG Guidelines, 2015. Collection method: clinical testing. Allele origin: germline.
Comment: This missense variant replaces asparagine with serine at codon 957 of the BRCA2 protein. Computational prediction suggests that this variant may not impact protein structure and function. To our knowledge, functional studies have not been reported for this variant. This variant has not been reported in individuals affected with BRCA2-related disorders in the literature. This variant has not been identified in the general population by the Genome Aggregation Database (gnomAD). The available evidence is insufficient to determine the role of this variant in disease conclusively. Therefore, this variant is classified as a Variant of Uncertain Significance.

Ambry Genetics
Classification: Uncertain significance for Hereditary cancer-predisposing syndrome. Last evaluated: 2023-04-13. Review status: criteria provided, single submitter. Criteria: Ambry Variant Classification Scheme 2023. Collection method: clinical testing. Allele origin: germline.
Comment: The p.N957S variant (also known as c.2870A>G), located in coding exon 10 of the BRCA2 gene, results from an A to G substitution at nucleotide position 2870. The asparagine at codon 957 is replaced by serine, an amino acid with highly similar properties. This amino acid position is not well conserved in available vertebrate species, and serine is the reference amino acid in other vertebrate species. In addition, this alteration is predicted to be tolerated by in silico analysis. Since supporting evidence is limited at this time, the clinical significance of this alteration remains unclear.

University of Washington Department of Laboratory Medicine, University of Washington
Classification: Likely benign for Hereditary cancer-predisposing syndrome. Last evaluated: 2023-03-23. Review status: criteria provided, single submitter. Criteria: Dines et al. (Genet Med. 2020). Collection method: curation. Allele origin: germline.
Comment: Missense variant in a coldspot region where missense variants are very unlikely to be pathogenic (PMID:31911673).

BRCA2 exon 11 coldspot. Reclassification based on statistical prior probability.

Labcorp Genetics (formerly Invitae), Labcorp
Classification: Uncertain significance for Hereditary breast ovarian cancer syndrome. Last evaluated: 2018-12-13. Review status: criteria provided, single submitter. Criteria: Invitae Variant Classification Sherloc (09022015). Collection method: clinical testing. Allele origin: germline.
Comment: In summary, the available evidence is currently insufficient to determine the role of this variant in disease. Therefore, it has been classified as a Variant of Uncertain Significance. Algorithms developed to predict the effect of missense changes on protein structure and function output the following: SIFT: "Tolerated"; PolyPhen-2: "Benign"; Align-GVGD: "Class C0". The serine amino acid residue is found in multiple mammalian species, suggesting that this missense change does not adversely affect protein function. These predictions have not been confirmed by published functional studies and their clinical significance is uncertain. This variant has not been reported in the literature in individuals with BRCA2-related conditions. ClinVar contains an entry for this variant (Variation ID: 480896). This variant is not present in population databases (ExAC no frequency). This sequence change replaces asparagine with serine at codon 957 of the BRCA2 protein (p.Asn957Ser). The asparagine residue is weakly conserved and there is a small physicochemical difference between asparagine and serine.